The following continues an entry in ClinVar:

NM_000059.4(BRCA2):c.7879A>T (p.Ile2627Phe)

Gene: BRCA2. ClinVar aggregate classification (germline): Pathogenic. Pathogenic (1).

Submissions 19 to 31 of 31:

Women's Health and Genetics/Laboratory Corporation of America, LabCorp
Classification: Pathogenic for Hereditary breast and ovarian cancer syndrome. Last evaluated: 2020-02-21. Review status: criteria provided, single submitter. Criteria: LabCorp Variant Classification Summary - May 2015. Collection method: clinical testing. Allele origin: germline. Not counted in ClinVar's aggregate classification.
Comment: Variant summary: BRCA2 c.7879A>T (p.Ile2627Phe) results in a non-conservative amino acid change in the encoded protein sequence. Five of five in-silico tools predict a damaging effect of the variant on protein function. The variant was absent in 251356 control chromosomes. c.7879A>T has been well reported in the literature in multiple individuals affected with Hereditary Breast and Ovarian Cancer in literature spanning over ten years to include multifactorial probability models for assessing pathogenic outcomes (example, Borg_2010, Capanu_2011, Stegel_2011, Spitzer_2000, Kluska_2015, Couch_2015, Rebbeck_2018, Lindor_2012, Easton_2007). These data indicate that the variant is very likely to be associated with disease. At-least one co-occurrence with another pathogenic variant has been reported in a patient with triple negative breast cancer (PALB2 c.2470dupT, p.Cys824LeufsX2)(Couch_2015). However, this does not rule out the pathogenicity of this variant due to the possibility of mutual exclusivity of the two variants. Several publications report experimental evidence evaluating an impact on protein function. The most pronounced variant effect results in an inability to complement the lethality of mBRCA2-deficient mouse-embryonic stem (mES) cells (example, Hendriks_2014 and Mesman_2019) as well as decreased homology directed repair activity (example, Farrugia_2008, Guidguli_2012). One expert panel (ENIGMA) and ten clinical diagnostic laboratories have submitted clinical-significance assessments for this variant to ClinVar after 2014 without evidence for independent evaluation. Some submitters cite overlapping evidence utilized in the context of this evaluation. All submitters classified the variant as pathogenic (n=8)/likely pathogenic (n=3). Based on the evidence outlined above, the variant was classified as pathogenic.

GeneKor MSA
Classification: Pathogenic. Last evaluated: 2020-01-01. Review status: criteria provided, single submitter. Criteria: ACMG Guidelines, 2015. Collection method: clinical testing. Allele origin: germline. Not counted in ClinVar's aggregate classification.
Comment: This variant results in the substitution of Isoleucine to Phenylalanine at amino acid residue 2627 of the BRCA2 protein. The Isoleucine residue is highly conserved among species and is located in a functional domain of the protein and there is a small physiochemical difference between Isoleucine and Phenylalanine (Grantham Score 21). This variant has been reported in the literature in patients and families with breast and/or ovarian cancer (PMID: 10699917, 20104584, 25452441). Also, this variant has been described as 8107A>T in the literature and is absent in population databases (rs80359014). The mutation database ClinVar contains entries for this variant (Variation ID: 52430). Algorithms developed to predict the effect of missense changes on protein structure and function suggest that this variant may be damaging to the protein and this prediction has also been observed experimentally. Experimental studies have shown that this variant affects BRCA2 homology-directed repair activity while loss of the protein function results in cell death (PMID: 18451181, 23108138, 25146914).

Revvity Omics, Revvity
Classification: Pathogenic. Last evaluated: 2019-06-05. Review status: criteria provided, single submitter. Criteria: ACMG Guidelines, 2015. Collection method: clinical testing. Allele origin: germline. Not counted in ClinVar's aggregate classification.

Fulgent Genetics
Classification: Pathogenic for Familial cancer of breast; Medulloblastoma; Familial prostate cancer; Wilms tumor 1; Fanconi anemia complementation group D1; Breast-ovarian cancer, familial, susceptibility to, 2; Glioma susceptibility 3; Pancreatic cancer, susceptibility to, 2. Last evaluated: 2018-10-31. Review status: criteria provided, single submitter. Criteria: ACMG Guidelines, 2015. Collection method: clinical testing. Allele origin: unknown. Not counted in ClinVar's aggregate classification.

Molecular Genetics Laboratory, University of Michigan
Classification: Pathogenic for Breast-ovarian cancer, familial, susceptibility to, 2. Last evaluated: 2016-04-21. Review status: criteria provided, single submitter. Criteria: ACMG Guidelines, 2015. Collection method: clinical testing. Allele origin: germline. Affected: yes. Not counted in ClinVar's aggregate classification.

Consortium of Investigators of Modifiers of BRCA1/2 (CIMBA), c/o University of Cambridge
Classification: Pathogenic for Breast-ovarian cancer, familial, susceptibility to, 2. Last evaluated: 2015-10-02. Review status: criteria provided, single submitter. Criteria: CIMBA Mutation Classification guidelines May 2016. Collection method: clinical testing. Allele origin: germline. Not counted in ClinVar's aggregate classification.

BRCAlab, Lund University
Classification: Pathogenic for Breast-ovarian cancer, familial, susceptibility to, 2. Last evaluated: 2022-08-26. Review status: no assertion criteria provided. Collection method: clinical testing. Allele origin: germline. Affected: yes. Not counted in ClinVar's aggregate classification.

Department of Medical Laboratory Science, Faculty of Allied Health Sciences, University of Peradeniya
Classification: Pathogenic for Malignant tumor of breast. Last evaluated: 2019-10-19. Review status: no assertion criteria provided. Collection method: research. Allele origin: germline. Affected: yes. Not counted in ClinVar's aggregate classification.

King Laboratory, University of Washington
Classification: Benign. Last evaluated: 2019-09-01. Review status: no assertion criteria provided. Collection method: research. Allele origin: germline. Affected: yes. Not counted in ClinVar's aggregate classification.
Comment: Transcript analysis by cBROCA

Research Molecular Genetics Laboratory, Women's College Hospital, University of Toronto
Classification: Pathogenic for Hereditary breast ovarian cancer syndrome. Last evaluated: 2014-01-31. Review status: no assertion criteria provided. Collection method: research. Allele origin: germline. Affected: yes. Study: The Canadian Open Genetics Repository (COGR). Not counted in ClinVar's aggregate classification.

Sharing Clinical Reports Project (SCRP)
Classification: Pathogenic for Breast-ovarian cancer, familial 2. Last evaluated: 2012-03-11. Review status: no assertion criteria provided. Collection method: clinical testing. Allele origin: germline. Not counted in ClinVar's aggregate classification.

Breast Cancer Information Core (BIC) (BRCA2)
Classification: Uncertain significance for Breast-ovarian cancer, familial 2. Last evaluated: 2004-02-20. Review status: no assertion criteria provided. Collection method: clinical testing. Allele origin: germline. Affected: yes. Observed: 7 variant alleles. Not counted in ClinVar's aggregate classification.

Department of Pathology and Laboratory Medicine, Sinai Health System
Classification: Pathogenic. Review status: no assertion criteria provided. Collection method: clinical testing. Allele origin: unknown. Affected: yes. Study: The Canadian Open Genetics Repository (COGR). Not counted in ClinVar's aggregate classification.
Comment: The p.Ile2627Phe variant was identified in 1 of 4206 proband chromosomes (frequency: 0.0001) from individuals or families with bilateral and unilateral breast cancer (Borg 2010); however, control chromosomes were not evaluated in these studies, thus the prevalence of this variant in the general population could not be determined. The variant was identified in dbSNP (ID: rs80359014) â€šÃ„ÃºWith Pathogenic, Uncertain significance allele.â€šÃ„Ã¹ The p.Ile2627Phe variant was also identified in GeneInsight COGR database by 2 submitters, one classified as pathogenic and the other as VUS. In Clinvar database, the variant was identified and classified as pathogenic by ENIGMA and by the Sharing Clinical Reports Project, derived from Myriad reports; it was classified as likely pathogenic by Ambry Genetics and no classification was provided by Invitae. The BRCA Share UMD Database identified the variant 1x and classified it as causal and ARUP Laboratories identified the variant 1x and classified it definitely pathogenic. In BIC database the variant was identified 7x with unknown clinical significance. The variant was not identified in NHLBI Exome Sequencing Project (Exome Variant Server) and Exome Aggregation Consortium (ExAC), COSMIC, Clinvitae or MutDB. The p.Ile2627 residue is conserved across mammals and lower organisms, and computational analyses (PolyPhen-2, SIFT, AlignGVGD, BLOSUM, MutationTaster) suggest that the Phenylalanine (Phe) variant may impact the protein. However, this information is not predictive enough to assume pathogenicity. In addition, Multifactorial likelihood-ratio modelling, homology-directed repair assay and centrosome percent amplification assay, suggest that the variant disrupts BRCA2 function (Farrugia 2008, Easton 2007). Studies on protein likelihood ratio modelling is in favour of protein loss of function (Karchin 2008) and based on multifactorial probability-based model for assessing pathogenicity, the prior probability of being deleterious is 0.29 and posterior probability of being deleterious 1.00 (Lindor 2012).In summary, based on the above information, this variant meets our laboratoryâ€šÃ„Ã´s criteria to be classified as pathogenic.

Literature cited by the submitters: PubMed 10699917 (cited by 4 submitters); PubMed 20104584 (cited by 5 submitters); PubMed 20383589 (cited by 3 submitters); PubMed 21232165 (cited by 4 submitters); PubMed 25452441 (cited by 4 submitters); PubMed 29335924 (cited by 3 submitters); PubMed 29368341 (cited by 3 submitters); PubMed 33609447 (cited by 3 submitters); PubMed 18451181 (cited by 4 submitters); PubMed 23108138 (cited by 5 submitters); PubMed 25146914 (cited by 4 submitters); PubMed 29394989 (cited by 3 submitters); PubMed 29884841 (cited by Labcorp Genetics (formerly Invitae), Labcorp and Ambry Genetics); PubMed 17924331 (cited by 3 submitters); PubMed 19043619 (cited by 3 submitters); PubMed 21990134 (cited by 3 submitters); PubMed 25447315 (cited by Ambry Genetics); PubMed 25948282 (cited by 3 submitters); PubMed 28324225 (cited by Ambry Genetics); PubMed 21520273 (cited by 3 submitters); PubMed 29988080 (cited by 3 submitters); PubMed 26295337 (cited by Quest Diagnostics Nichols Institute San Juan Capistrano); PubMed 29446198 (cited by Women's Health and Genetics/Laboratory Corporation of America, LabCorp); PubMed 31843900 (cited by King Laboratory, University of Washington).